The following is an entry in ClinVar:

ClinVar aggregate classification (germline): Uncertain significance (1 of 4 stars; one submission).

Submission:

GeneDx
Classification: Uncertain significance. Last evaluated: 2024-12-26. Review status: criteria provided, single submitter. Criteria: GeneDx Variant Classification Process June 2021. Collection method: clinical testing. Allele origin: germline. Affected: yes.
Comment: Not observed at significant frequency in large population cohorts (gnomAD); In silico analysis supports that this missense variant has a deleterious effect on protein structure/function; Has not been previously published as pathogenic or benign to our knowledge; Located in one of the three hot-spot regions of the RYR2 gene, where the majority of pathogenic missense variants occur (PMID: 19926015); This variant is associated with the following publications: (PMID: 19926015)

NM_001035.3(RYR2):c.7556A>G (p.Tyr2519Cys)

Gene: RYR2 (ryanodine receptor 2; plus strand). Cytogenetic location: 1q43.
Variant type: single nucleotide variant.
Coding change: c.7556A>G on transcript NM_001035.3 (MANE Select); coding-DNA position 7556, A replaced by G.
Protein change: p.Tyr2519Cys; replaces tyrosine 2519 with cysteine.
Molecular consequence: missense variant.
Genome position (GRCh38, 1-based): chr1:237,649,920, A>G. VCF-style: chr1-237649920-A-G. GRCh37 (hg19) VCF-style: chr1-237813220-A-G.
Other names: short protein forms Y2519C.
Identifiers: ClinVar variation 3908007 (VCV003908007.1).